The following is an entry in ClinVar:

NM_000246.4(CIITA):c.2081T>C (p.Leu694Ser)

Gene: CIITA (class II major histocompatibility complex transactivator; plus strand). Cytogenetic location: 16p13.13.
Variant type: single nucleotide variant.
Coding change: c.2081T>C on transcript NM_000246.4 (MANE Select); coding-DNA position 2081, T replaced by C.
Protein change: p.Leu694Ser; replaces leucine 694 with serine.
Molecular consequence: missense variant. On other transcripts: intron variant (1).
Genome position (GRCh38, 1-based): chr16:10,907,573, T>C. VCF-style: chr16-10907573-T-C. GRCh37 (hg19) VCF-style: chr16-11001430-T-C.
Other names: c.2084T>C, p.Leu695Ser (NM_001286402.1, NM_001379332.1); c.1937T>C, p.Leu646Ser (NM_001379330.1); c.1934T>C, p.Leu645Ser (NM_001379331.1); c.2081T>C, p.Leu694Ser (NM_001379333.1); c.2012T>C, p.Leu671Ser (NM_001379334.1); c.860-1410T>C (NM_001286403.2); short protein forms L694S, L695S, L645S, L646S, L671S.
Identifiers: ClinVar variation 1357597 (VCV001357597.3), dbSNP rs1029760849, ClinGen allele CA277747041.

ClinVar aggregate classification (germline): Uncertain significance (1 of 4 stars; one submission).

Conditions:
MHC class II deficiency. Also called: Bare lymphocyte syndrome 2; BLS, TYPE II. Identifiers: Orphanet 572, MedGen C5447452, MONDO:0008855.

Allele frequency attached by ClinVar (database versions not stated): TOPMed below 0.00001.

Submission:

Labcorp Genetics (formerly Invitae), Labcorp
Classification: Uncertain significance for MHC class II deficiency. Last evaluated: 2021-11-04. Review status: criteria provided, single submitter. Criteria: Invitae Variant Classification Sherloc (09022015). Collection method: clinical testing. Allele origin: germline.
Comment: This sequence change replaces leucine, which is neutral and non-polar, with serine, which is neutral and polar, at codon 694 of the CIITA protein (p.Leu694Ser). This variant is present in population databases (no rsID available, gnomAD 0.007%). This variant has not been reported in the literature in individuals affected with CIITA-related conditions. Algorithms developed to predict the effect of missense changes on protein structure and function are either unavailable or do not agree on the potential impact of this missense change (SIFT: "Deleterious"; PolyPhen-2: "Possibly Damaging"; Align-GVGD: "Class C15"). In summary, the available evidence is currently insufficient to determine the role of this variant in disease. Therefore, it has been classified as a Variant of Uncertain Significance.